The following is an entry in ClinVar:

NM_000780.4(CYP7A1):c.402G>A (p.Gln134=)

Gene: CYP7A1 (cytochrome P450 family 7 subfamily A member 1; minus strand). Cytogenetic location: 8q12.1.
Variant type: single nucleotide variant.
Coding change: c.402G>A on transcript NM_000780.4 (MANE Select); coding-DNA position 402, G replaced by A.
Protein change: p.Gln134=; no amino-acid change (glutamine 134 retained).
Molecular consequence: synonymous variant.
Genome position (GRCh38, 1-based): chr8:58,497,110, C>T on the plus strand (G>A on the coding strand, the complement: CYP7A1 is on the minus strand). VCF-style: chr8-58497110-C-T. GRCh37 (hg19) VCF-style: chr8-59409669-C-T.
Identifiers: ClinVar variation 3052071 (VCV003052071.2), dbSNP rs201494047, ClinGen allele CA4756803.

ClinVar aggregate classification (germline): Likely benign (0 of 4 stars; one submission).

Conditions:
CYP7A1-related disorder. Also called: CYP7A1-related condition.

Allele frequency attached by ClinVar (database versions not stated): TOPMed below 0.00001; gnomAD 0.00001; gnomAD exomes 0.00001; ExAC 0.00002; 1000 Genomes Project 30x 0.00016; 1000 Genomes Project 0.00020.
gnomAD v4.1: 16 of 1,600,284 alleles (0.001%); highest among the groups gnomAD compares: South Asian, 0.016%; no homozygotes.

Submission:

PreventionGenetics, part of Exact Sciences
Classification: Likely benign for CYP7A1-related condition. Last evaluated: 2021-07-08. Review status: no assertion criteria provided. Collection method: clinical testing. Allele origin: germline.
Comment: This variant is classified as likely benign based on ACMG/AMP sequence variant interpretation guidelines (Richards et al. 2015 PMID: 25741868, with internal and published modifications).